The following is an entry in ClinVar:

ClinVar aggregate classification (germline): Uncertain significance. Review status: criteria provided, multiple submitters, no conflicts (2 of 4 stars). 2 submissions from 2 submitters: Uncertain significance (2). Last evaluated 2026-08-24.

Conditions:
Inborn genetic diseases. Identifiers: MedGen C0950123, MeSH D030342.

Submissions (2):

GeneDx
Classification: Uncertain significance. Last evaluated: 2026-08-24. Review status: criteria provided, single submitter. Criteria: GeneDx Variant Classification Process June 2021. Collection method: clinical testing. Allele origin: germline.
Comment: Not observed at significant frequency in large population cohorts (gnomAD); In silico analysis supports that this missense variant has a deleterious effect on protein structure/function; Has not been previously published as pathogenic or benign to our knowledge

Ambry Genetics
Classification: Uncertain significance for Inborn genetic diseases. Last evaluated: 2025-03-27. Review status: criteria provided, single submitter. Criteria: Ambry Variant Classification Scheme 2023. Collection method: clinical testing. Allele origin: germline.

NM_006421.5(ARFGEF1):c.3362T>G (p.Val1121Gly)

Gene: ARFGEF1 (ARF guanine nucleotide exchange factor 1; minus strand). Cytogenetic location: 8q13.2.
Variant type: single nucleotide variant.
Coding change: c.3362T>G on transcript NM_006421.5 (MANE Select); coding-DNA position 3362, T replaced by G.
Protein change: p.Val1121Gly; replaces valine 1121 with glycine.
Molecular consequence: missense variant. On other transcripts: non-coding transcript variant (1).
Genome position (GRCh38, 1-based): chr8:67,232,873, A>C on the plus strand (T>G on the coding strand, the complement: ARFGEF1 is on the minus strand). VCF-style: chr8-67232873-A-C. GRCh37 (hg19) VCF-style: chr8-68145108-A-C.
Other names: c.3362T>G, p.Val1121Gly (NM_001413184.1, NM_001413185.1, NM_001413186.1 and 6 more transcripts); c.2762T>G, p.Val921Gly (NM_001413188.1, NM_001413193.1, NM_001413197.1); c.3356T>G, p.Val1119Gly (NM_001413190.1); c.1937T>G, p.Val646Gly (NM_001413196.1); short protein forms V1119G, V1121G, V646G, V921G.
Identifiers: ClinVar variation 3371847 (VCV003371847.4).